The following is an entry in ClinVar:

NM_016417.2(GLRX5):c.-277T>A

Genes: GLRX5 (glutaredoxin 5; plus strand), SNHG10 (small nucleolar RNA host gene 10; minus strand). Cytogenetic location: 14q32.13.
Variant type: single nucleotide variant.
Coding change: c.-277T>A on transcript NM_016417.2; 277 bases upstream of the start codon, T replaced by A.
Molecular consequence: non-coding transcript variant (on NR_001459.2).
Genome position (GRCh38, 1-based): chr14:95,534,813, T>A. VCF-style: chr14-95534813-T-A. GRCh37 (hg19) VCF-style: chr14-96001150-T-A.
Identifiers: ClinVar variation 673746 (VCV000673746.4), dbSNP rs45582537, ClinGen allele CA14063827.

ClinVar aggregate classification (germline): Likely benign. Review status: criteria provided, multiple submitters, no conflicts (2 of 4 stars). 2 submissions from 2 submitters: Likely benign (2). Last evaluated 2018-06-16.

Allele frequency attached by ClinVar (database versions not stated): 1000 Genomes Project 0.01917; TOPMed 0.02956; 1000 Genomes Project 30x 0.01905; gnomAD exomes 0.03640; gnomAD 0.03109 and 0.03123.

Submissions (2):

GeneDx
Classification: Likely benign. Last evaluated: 2018-06-16. Review status: criteria provided, single submitter. Criteria: GeneDx Variant Classification (06012015). Collection method: clinical testing. Allele origin: germline. Affected: yes.
Comment: This variant is considered likely benign or benign based on one or more of the following criteria: it is a conservative change, it occurs at a poorly conserved position in the protein, it is predicted to be benign by multiple in silico algorithms, and/or has population frequency not consistent with disease.

Breakthrough Genomics
Classification: Likely benign. Review status: criteria provided, single submitter. Criteria: ACMG Guidelines, 2015. Collection method: not provided. Allele origin: germline. Inheritance: Autosomal recessive inheritance. Affected: yes.